The following is an entry in ClinVar:

NM_003060.4(SLC22A5):c.773T>C (p.Met258Thr)

Gene: SLC22A5 (solute carrier family 22 member 5; plus strand). Cytogenetic location: 5q31.1.
Variant type: single nucleotide variant.
Coding change: c.773T>C on transcript NM_003060.4 (MANE Select); coding-DNA position 773, T replaced by C.
Protein change: p.Met258Thr; replaces methionine 258 with threonine.
Molecular consequence: missense variant.
Genome position (GRCh38, 1-based): chr5:132,385,448, T>C. VCF-style: chr5-132385448-T-C. GRCh37 (hg19) VCF-style: chr5-131721140-T-C.
Other names: c.845T>C, p.Met282Thr (NM_001308122.2); short protein forms M282T, M258T.
Identifiers: ClinVar variation 1350397 (VCV001350397.5), dbSNP rs1430095203, ClinGen allele CA360805183.

ClinVar aggregate classification (germline): Uncertain significance (1 of 4 stars; one submission).

Conditions:
Renal carnitine transport defect (CDSP). Also called: Systemic primary carnitine deficiency; Carnitine transporter deficiency; Carnitine Deficiency, Systemic; Systemic primary carnitine deficiency disease; Primary carnitine deficiency; CARNITINE DEFICIENCY, SYSTEMIC, DUE TO DEFECT IN RENAL REABSORPTION OF CARNITINE. Identifiers: Orphanet 158, MedGen C0342788, MONDO:0008919, OMIM 212140.

Allele frequency attached by ClinVar (database versions not stated): gnomAD exomes below 0.00001.

Submission:

Labcorp Genetics (formerly Invitae), Labcorp
Classification: Uncertain significance for Renal carnitine transport defect. Last evaluated: 2025-02-05. Review status: criteria provided, single submitter. Criteria: Invitae Variant Classification Sherloc (09022015). Collection method: clinical testing. Allele origin: germline.
Comment: This sequence change replaces methionine, which is neutral and non-polar, with threonine, which is neutral and polar, at codon 258 of the SLC22A5 protein (p.Met258Thr). This variant is present in population databases (no rsID available, gnomAD 0.003%). This variant has not been reported in the literature in individuals affected with SLC22A5-related conditions. ClinVar contains an entry for this variant (Variation ID: 1350397). Invitae Evidence Modeling of protein sequence and biophysical properties (such as structural, functional, and spatial information, amino acid conservation, physicochemical variation, residue mobility, and thermodynamic stability) has been performed for this missense variant. However, the output from this modeling did not meet the statistical confidence thresholds required to predict the impact of this variant on SLC22A5 protein function. In summary, the available evidence is currently insufficient to determine the role of this variant in disease. Therefore, it has been classified as a Variant of Uncertain Significance.